The following is an entry in ClinVar:

NM_004247.4(EFTUD2):c.2687T>C (p.Phe896Ser)

Gene: EFTUD2 (elongation factor Tu GTP binding domain containing 2; minus strand). Cytogenetic location: 17q21.31.
Variant type: single nucleotide variant.
Coding change: c.2687T>C on transcript NM_004247.4 (MANE Select); coding-DNA position 2687, T replaced by C.
Protein change: p.Phe896Ser; replaces phenylalanine 896 with serine.
Molecular consequence: missense variant.
Genome position (GRCh38, 1-based): chr17:44,852,437, A>G on the plus strand (T>C on the coding strand, the complement: EFTUD2 is on the minus strand). VCF-style: chr17-44852437-A-G. GRCh37 (hg19) VCF-style: chr17-42929805-A-G.
Other names: c.2582T>C, p.Phe861Ser (NM_001142605.2); c.2687T>C, p.Phe896Ser (NM_001258353.2); c.2657T>C, p.Phe886Ser (NM_001258354.2); short protein forms F861S, F886S, F896S.
Identifiers: ClinVar variation 3391480 (VCV003391480.2).

ClinVar aggregate classification (germline): Uncertain significance. Review status: criteria provided, multiple submitters, no conflicts (2 of 4 stars). 2 submissions from 2 submitters: Uncertain significance (2). Last evaluated 2024-06-22.

Submissions (2):

GeneDx
Classification: Uncertain significance. Last evaluated: 2024-06-22. Review status: criteria provided, single submitter. Criteria: GeneDx Variant Classification Process June 2021. Collection method: clinical testing. Allele origin: germline. Affected: yes.
Comment: Not observed at significant frequency in large population cohorts (gnomAD); In silico analysis supports that this missense variant has a deleterious effect on protein structure/function; Has not been previously published as pathogenic or benign to our knowledge

Blueprint Genetics
Classification: Uncertain significance. Last evaluated: 2024-03-13. Review status: criteria provided, single submitter. Criteria: ACMG Guidelines, 2015. Collection method: clinical testing. Allele origin: germline.